The following is an entry in ClinVar:

NM_001267550.2(TTN):c.82264A>G (p.Thr27422Ala)

Genes: TTN (titin; minus strand), TTN-AS1 (TTN antisense RNA 1; plus strand). Cytogenetic location: 2q31.2.
Variant type: single nucleotide variant.
Coding change: c.82264A>G on transcript NM_001267550.2 (MANE Select); coding-DNA position 82264, A replaced by G.
Protein change: p.Thr27422Ala; replaces threonine 27422 with alanine.
Molecular consequence: missense variant.
Genome position (GRCh38, 1-based): chr2:178,563,868, T>C on the plus strand (A>G on the coding strand, the complement: TTN is on the minus strand). VCF-style: chr2-178563868-T-C. GRCh37 (hg19) VCF-style: chr2-179428595-T-C.
Other names: c.77341A>G, p.Thr25781Ala (NM_001256850.1); c.55069A>G, p.Thr18357Ala (NM_003319.4); c.74560A>G, p.Thr24854Ala (NM_133378.4); c.55444A>G, p.Thr18482Ala (NM_133432.3); c.55645A>G, p.Thr18549Ala (NM_133437.4); short protein forms T18357A, T18482A, T18549A, T24854A, T25781A, T27422A.
Identifiers: ClinVar variation 3894602 (VCV003894602.2), dbSNP rs760304866.
Genomic context (GRCh38, chr2:178,563,868, plus strand): 5'-AAATGTACTCATTACCAGGAAGAAGTTTAGTAACTTTGTAGTTAAGGGCCTGTACCTCAG[T>C]TGAAACCTGGGTCCAAGAGAGTCGGCTTGTCTCCCTCTTTTCAATGATGTAATGTGAAAT-3'
Protein context (NP_001254479.2, residues 27412-27432): TSRLSWTQVS[Thr27422Ala]EVQALNYKVT

ClinVar aggregate classification (germline): Conflicting classifications of pathogenicity. Review status: criteria provided, conflicting classifications (1 of 4 stars). 2 submissions from 2 submitters: Uncertain significance (1); Likely benign (1). Last evaluated 2025-05-06.

gnomAD v4.1: 11 of 1,613,752 alleles (0.00068%); highest among the groups gnomAD compares: Non-Finnish European, 0.00093%; no homozygotes.

Submissions (2):

Women's Health and Genetics/Laboratory Corporation of America, LabCorp
Classification: Uncertain significance. Last evaluated: 2025-05-06. Review status: criteria provided, single submitter. Criteria: LabCorp Variant Classification Summary - May 2015. Collection method: clinical testing. Allele origin: germline.
Comment: Variant summary: TTN c.74560A>G (p.Thr24854Ala) results in a non-conservative amino acid change in the encoded protein sequence. Algorithms developed to predict the effect of missense changes on protein structure and function are either unavailable or do not agree on the potential impact of this missense change. The variant allele was found at a frequency of 4e-06 in 248620 control chromosomes. The available data on variant occurrences in the general population are insufficient to allow any conclusion about variant significance. To our knowledge, no occurrence of c.74560A>G in individuals affected with Autosomal Recessive Titinopathy and no experimental evidence demonstrating its impact on protein function have been reported. ClinVar contains an entry for this variant (Variation ID: 3894602). Based on the evidence outlined above, the variant was classified as uncertain significance.

Molecular Diagnostic Laboratory for Inherited Cardiovascular Disease, Montreal Heart Institute
Classification: Likely benign. Last evaluated: 2025-04-09. Review status: criteria provided, single submitter. Criteria: ACMG Guidelines, 2015. Collection method: clinical testing. Allele origin: germline. Affected: no.